The following is an entry in ClinVar:

NM_002485.5(NBN):c.1535A>G (p.Glu512Gly)

Gene: NBN (nibrin; minus strand). Cytogenetic location: 8q21.3.
Variant type: single nucleotide variant.
Coding change: c.1535A>G on transcript NM_002485.5 (MANE Select); coding-DNA position 1535, A replaced by G.
Protein change: p.Glu512Gly; replaces glutamic acid 512 with glycine.
Molecular consequence: missense variant.
Genome position (GRCh38, 1-based): chr8:89,953,554, T>C on the plus strand (A>G on the coding strand, the complement: NBN is on the minus strand). VCF-style: chr8-89953554-T-C. GRCh37 (hg19) VCF-style: chr8-90965782-T-C.
Other names: c.1289A>G, p.Glu430Gly (NM_001024688.3); short protein forms E512G, E430G.
Identifiers: ClinVar variation 231791 (VCV000231791.10), dbSNP rs876659367, ClinGen allele CA10578759.
Genomic context (GRCh38, chr8:89,953,554, plus strand): 5'-ACAATAGATTTTAAATCTGTATCTGTAAATAAGTTATTGTCTGAGTTTGTGTCCACAGGC[T>C]CATTCTCAGATAGATGCTGCTCCTTATTTTTCCACAATGAGGGTGTAGCAGGTTGTGTTT-3'
Protein context (NP_002476.2, residues 502-522): KNKEQHLSEN[Glu512Gly]PVDTNSDNNL

ClinVar aggregate classification (germline): Uncertain significance. Review status: criteria provided, multiple submitters, no conflicts (2 of 4 stars). 2 submissions from 2 submitters: Uncertain significance (2). Last evaluated 2023-09-23.

Conditions:
Hereditary cancer-predisposing syndrome. Also called: Hereditary Cancer Syndrome; Neoplastic Syndromes, Hereditary; Tumor predisposition; Hereditary neoplastic syndrome. Identifiers: Orphanet 140162, MedGen C0027672, MeSH D009386, MONDO:0015356.
Microcephaly, normal intelligence and immunodeficiency (NBS). Also called: BERLIN BREAKAGE SYNDROME; Ataxia telangiectasia variant V1; IMMUNODEFICIENCY, MICROCEPHALY, AND CHROMOSOMAL INSTABILITY; SEEMANOVA SYNDROME II; Nijmegen breakage syndrome; Microcephaly with normal intelligence immunodeficiency and lymphoreticular malignancies. Identifiers: Orphanet 647, MedGen C0398791, MONDO:0009623, OMIM 251260.

Allele frequency attached by ClinVar (database versions not stated): gnomAD exomes below 0.00001.
gnomAD v4.1: 1 of 1,613,890 alleles (0.000062%); highest among the groups gnomAD compares: East Asian, 0.0022%; no homozygotes.

Submissions (2):

Labcorp Genetics (formerly Invitae), Labcorp
Classification: Uncertain significance for Microcephaly, normal intelligence and immunodeficiency. Last evaluated: 2023-09-23. Review status: criteria provided, single submitter. Criteria: Invitae Variant Classification Sherloc (09022015). Collection method: clinical testing. Allele origin: germline.
Comment: This variant is not present in population databases (gnomAD no frequency). In summary, the available evidence is currently insufficient to determine the role of this variant in disease. Therefore, it has been classified as a Variant of Uncertain Significance. Algorithms developed to predict the effect of missense changes on protein structure and function output the following: SIFT: "Not Available"; PolyPhen-2: "Benign"; Align-GVGD: "Not Available". The glycine amino acid residue is found in multiple mammalian species, which suggests that this missense change does not adversely affect protein function. ClinVar contains an entry for this variant (Variation ID: 231791). This variant has not been reported in the literature in individuals affected with NBN-related conditions. This sequence change replaces glutamic acid, which is acidic and polar, with glycine, which is neutral and non-polar, at codon 512 of the NBN protein (p.Glu512Gly).

Ambry Genetics
Classification: Uncertain significance for Hereditary cancer-predisposing syndrome. Last evaluated: 2019-08-27. Review status: criteria provided, single submitter. Criteria: Ambry Variant Classification Scheme 2023. Collection method: clinical testing. Allele origin: germline.
Comment: The p.E512G variant (also known as c.1535A>G), located in coding exon 11 of the NBN gene, results from an A to G substitution at nucleotide position 1535. The glutamic acid at codon 512 is replaced by glycine, an amino acid with similar properties. This amino acid position is not well conserved in available vertebrate species. In addition, this alteration is predicted to be tolerated by in silico analysis. Since supporting evidence is limited at this time, the clinical significance of this alteration remains unclear.